The following is an entry in ClinVar:

ClinVar aggregate classification (germline): Uncertain significance (1 of 4 stars; one submission).

Conditions:
Neuroblastoma, susceptibility to, 3. Also called: ALK-Related Neuroblastic Tumor Susceptibility. Identifiers: Orphanet 635, MedGen C2751681, MONDO:0013083, OMIM 613014.

Submission:

Labcorp Genetics (formerly Invitae), Labcorp
Classification: Uncertain significance for Neuroblastoma, susceptibility to, 3. Last evaluated: 2021-08-06. Review status: criteria provided, single submitter. Criteria: Invitae Variant Classification Sherloc (09022015). Collection method: clinical testing. Allele origin: germline.
Comment: This variant is not present in population databases (ExAC no frequency). In summary, the available evidence is currently insufficient to determine the role of this variant in disease. Therefore, it has been classified as a Variant of Uncertain Significance. This variant has not been reported in the literature in individuals affected with ALK-related conditions. This sequence change creates a premature translational stop signal (p.Gly820Argfs*10) in the ALK gene. It is expected to result in an absent or disrupted protein product. However, the current clinical and genetic evidence is not sufficient to establish whether loss-of-function variants in ALK cause disease.

NM_004304.5(ALK):c.2456dup (p.Gly820fs)

Gene: ALK (ALK receptor tyrosine kinase; minus strand). Cytogenetic location: 2p23.2.
Variant type: Duplication.
Coding change: c.2456dup on transcript NM_004304.5 (MANE Select); coding-DNA position 2456, one base duplicated (G; older notation c.2456dupG).
Protein change: p.Gly820fs; shifts the reading frame from glycine 820.
Molecular consequence: frameshift variant.
Genome position (GRCh38, 1-based): chr2:29,233,596, C duplicated on the plus strand (G on the coding strand, the reverse complement: ALK is on the minus strand); the first of 2 consecutive C bases (chr2:29,233,596-29,233,597); duplicating either gives the same sequence. VCF-style (leftmost placement, unchanged base first): chr2-29233595-T-TC. GRCh37 (hg19) VCF-style: chr2-29456461-T-TC.
Other names: short protein forms G820fs.
Identifiers: ClinVar variation 1476103 (VCV001476103.6), dbSNP rs2148184483, ClinGen allele CA2573134552.
Genomic context (GRCh38, chr2:29,233,595, plus strand): 5'-CTGGTGGAAATCTGGCAGCACACACCATACCTTAAATACGTAGGTGGCTCCACCCCCTCC[T>TC]CCTCCGCCTCCTGCCCACTCATGCACGCTTCTGTTCACACGGATTTCTTCTTCTATCACA-3'